The following is an entry in ClinVar:

NM_001290043.2(TAP2):c.956G>A (p.Arg319Gln)

Gene: TAP2 (transporter 2, ATP binding cassette subfamily B member; minus strand). Cytogenetic location: 6p21.32.
Variant type: single nucleotide variant.
Coding change: c.956G>A on transcript NM_001290043.2 (MANE Select); coding-DNA position 956, G replaced by A.
Protein change: p.Arg319Gln; replaces arginine 319 with glutamine.
Molecular consequence: missense variant.
Genome position (GRCh38, 1-based): chr6:32,832,814, C>T on the plus strand (G>A on the coding strand, the complement: TAP2 is on the minus strand). VCF-style: chr6-32832814-C-T. GRCh37 (hg19) VCF-style: chr6-32800591-C-T.
Other names: c.956G>A, p.Arg319Gln (NM_000544.3, NM_018833.3); short protein forms R319Q.
Identifiers: ClinVar variation 942696 (VCV000942696.8), dbSNP rs1453357528, ClinGen allele CA363583469.
Genomic context (GRCh38, chr6:32,832,814, plus strand): 5'-AGCCCTCCAACGGCTTCCCGCACCACCTGCCCCGCCCTGGCCACTGCATCCTGGATCTCC[C>T]GAAGCACTTCCTGGAAAAGAGGGCCAGCAAACACCAGGGCTGATGTGCAAAGACAGCAGG-3'
Protein context (NP_001276972.1, residues 309-329): VYNTRHQEVL[Arg319Gln]EIQDAVARAG

ClinVar aggregate classification (germline): Uncertain significance (1 of 4 stars; one submission).

Conditions:
MHC class I deficiency. Identifiers: Orphanet 34592, MedGen C6024714, MONDO:0011476.

Allele frequency attached by ClinVar (database versions not stated): gnomAD 0.00002; TOPMed 0.00001.
gnomAD v4.1: 35 of 1,612,320 alleles (0.0022%); highest among the groups gnomAD compares: Non-Finnish European, 0.0027%; no homozygotes.

Submission:

Labcorp Genetics (formerly Invitae), Labcorp
Classification: Uncertain significance for MHC class I deficiency 1. Last evaluated: 2024-09-11. Review status: criteria provided, single submitter. Criteria: Invitae Variant Classification Sherloc (09022015). Collection method: clinical testing. Allele origin: germline.
Comment: This sequence change replaces arginine, which is basic and polar, with glutamine, which is neutral and polar, at codon 319 of the TAP2 protein (p.Arg319Gln). This variant is present in population databases (no rsID available, gnomAD 0.003%). This variant has not been reported in the literature in individuals affected with TAP2-related conditions. ClinVar contains an entry for this variant (Variation ID: 942696). An algorithm developed to predict the effect of missense changes on protein structure and function outputs the following: PolyPhen-2: "Not Available". The glutamine amino acid residue is found in multiple mammalian species, which suggests that this missense change does not adversely affect protein function. In summary, the available evidence is currently insufficient to determine the role of this variant in disease. Therefore, it has been classified as a Variant of Uncertain Significance.